The following is an entry in ClinVar:

NM_004360.5(CDH1):c.1921C>G (p.Gln641Glu)

Gene: CDH1 (cadherin 1; plus strand). Cytogenetic location: 16q22.1.
Variant type: single nucleotide variant.
Coding change: c.1921C>G on transcript NM_004360.5 (MANE Select); coding-DNA position 1921, C replaced by G.
Protein change: p.Gln641Glu; replaces glutamine 641 with glutamic acid.
Molecular consequence: missense variant. On other transcripts: 5 prime UTR variant (1).
Genome position (GRCh38, 1-based): chr16:68,822,210, C>G. VCF-style: chr16-68822210-C-G. GRCh37 (hg19) VCF-style: chr16-68856113-C-G.
Other names: c.1738C>G, p.Gln580Glu (NM_001317184.2); c.373C>G, p.Gln125Glu (NM_001317185.2); c.-45C>G (NM_001317186.2); short protein forms Q641E, Q580E, Q125E.
Identifiers: ClinVar variation 3729470 (VCV003729470.2).

ClinVar aggregate classification (germline): Uncertain significance (1 of 4 stars; one submission).

Conditions:
Hereditary diffuse gastric adenocarcinoma (HDGC). Also called: DIFFUSE GASTRIC AND LOBULAR BREAST CANCER SYNDROME. Identifiers: Orphanet 26106, MedGen C1708349, MONDO:0007648, OMIM 137215.

Submission:

Labcorp Genetics (formerly Invitae), Labcorp
Classification: Uncertain significance for Hereditary diffuse gastric adenocarcinoma. Last evaluated: 2025-01-23. Review status: criteria provided, single submitter. Criteria: Invitae Variant Classification Sherloc (09022015). Collection method: clinical testing. Allele origin: germline.
Comment: This sequence change replaces glutamine, which is neutral and polar, with glutamic acid, which is acidic and polar, at codon 641 of the CDH1 protein (p.Gln641Glu). This variant is not present in population databases (gnomAD no frequency). This variant has not been reported in the literature in individuals affected with CDH1-related conditions. An algorithm developed to predict the effect of missense changes on protein structure and function outputs the following: PolyPhen-2: "Benign". The glutamic acid amino acid residue is found in multiple mammalian species, which suggests that this missense change does not adversely affect protein function. In summary, the available evidence is currently insufficient to determine the role of this variant in disease. Therefore, it has been classified as a Variant of Uncertain Significance.